The following is an entry in ClinVar:

ClinVar aggregate classification (germline): Pathogenic/Likely pathogenic. Review status: criteria provided, multiple submitters, no conflicts (2 of 4 stars). 2 submissions from 2 submitters: Pathogenic (1); Likely pathogenic (1). Last evaluated 2022-05-06.

Conditions:
Ichthyosis vulgaris. Also called: Dominant ichthyosis vulgaris; ICHTHYOSIS SIMPLEX. Identifiers: MedGen C0079584, MONDO:0024304, OMIM 146700.
Dermatitis, atopic, 2. Identifiers: MedGen C1853965, MONDO:0011596, OMIM 605803.

Allele frequency attached by ClinVar (database versions not stated): gnomAD 0.00001; gnomAD exomes 0.00001; TOPMed 0.00001; ExAC 0.00002.

Submissions (2):

GeneDx
Classification: Pathogenic. Last evaluated: 2022-05-06. Review status: criteria provided, single submitter. Criteria: GeneDx Variant Classification Process June 2021. Collection method: clinical testing. Allele origin: germline. Affected: yes.
Comment: Reported as 6834del5 in an individual with atopic dermatitis (Zhang et al., 2011); Frameshift variant predicted to result in protein truncation, as the last 1783 amino acids are replaced with 39 different amino acids, and other loss-of-function variants have been reported downstream in HGMD.; Not observed at significant frequency in large population cohorts (gnomAD); This variant is associated with the following publications: (PMID: 21039602)

Juno Genomics, Hangzhou Juno Genomics, Inc
Classification: Likely pathogenic for Dermatitis, atopic, 2; Ichthyosis vulgaris. Review status: criteria provided, single submitter. Criteria: ACMG Guidelines, 2015. Collection method: clinical testing. Allele origin: germline.
Comment: Absent from controls (or at extremely low frequency if recessive) in Genome Aggregation Database.;Null variant in a gene where loss of function (LOF) is a known mechanism of disease.;The prevalence of the variant in affected individuals is significantly increased compared to the prevalence in controls.;Patient's phenotype or family history is highly specific for a disease with a single genetic etiology.

NM_002016.2(FLG):c.6834_6838del (p.Ser2279fs)

Genes: CCDST (cervical cancer associated DHX9 suppressive transcript; plus strand), FLG (filaggrin; minus strand). Cytogenetic location: 1q21.3.
Variant type: Deletion.
Coding change: c.6834_6838del on transcript NM_002016.2 (MANE Select); coding-DNA positions 6834 to 6838, 5 bases deleted (CTCCA; older notation c.6834_6838delCTCCA).
Protein change: p.Ser2279fs; shifts the reading frame from serine 2279.
Molecular consequence: frameshift variant.
Genome position (GRCh38, 1-based): chr1:152,308,048-152,308,052, TGGAG deleted on the plus strand (CTCCA on the coding strand, the reverse complement: FLG is on the minus strand). VCF-style (leftmost placement, unchanged base first): chr1-152308047-CTGGAG-C. GRCh37 (hg19) VCF-style: chr1-152280523-CTGGAG-C.
Other names: c.6834_6838delCTCCA, p.Ser2279Thrfs (NM_002016.1); short protein forms S2279fs.
Identifiers: ClinVar variation 1723739 (VCV001723739.6), dbSNP rs772007167, ClinGen allele CA1105020.
Genomic context (GRCh38, chr1:152,308,047, plus strand): 5'-CTGGAGCTCTCTGCAGAGTGCCCATGACCGGCTCTGTCTTCGTGATGGGACCTGGGGTGT[CTGGAG>C]CCATCTCTTGACTGCTCCTGAGCAGATCCATGATGGTTTCTGGACGCAGACCCAGACCGC-3'